The following is an entry in ClinVar:

ClinVar aggregate classification (germline): Pathogenic. Review status: criteria provided, multiple submitters, no conflicts (2 of 4 stars). 5 submissions from 5 submitters: Pathogenic (5). Last evaluated 2026-04-04.

Conditions:
Skeletal muscle channelopathy.
ATP2A1-related disorder. Also called: ATP2A1-related condition.
Brody myopathy. Also called: BRODY DISEASE. Identifiers: Orphanet 53347, MedGen C1832918, MONDO:0010977, OMIM 601003.

Submissions (5):

Genetics Laboratory, Great Ormond Street Hospital NHS Foundation Trust, North Thames Genomic Laboratory Hub
Classification: Pathogenic for Skeletal muscle channelopathy. Last evaluated: 2026-04-04. Review status: criteria provided, single submitter. Criteria: ACGS Best Practice Guidelines for Variant Classification in Rare Disease 2024 v1.2. Collection method: clinical testing. Allele origin: germline. Affected: yes.
Comment: PM2_moderate, PVS1_very-strong, PM3_supporting

PreventionGenetics, part of Exact Sciences
Classification: Pathogenic for ATP2A1-related condition. Last evaluated: 2023-04-10. Review status: criteria provided, single submitter. Criteria: ACMG Guidelines, 2015. Collection method: clinical testing. Allele origin: germline.
Comment: The ATP2A1 c.1742_1743delCT variant is predicted to result in a frameshift and premature protein termination (p.Ser581Cysfs*7). This variant was reported in the compound heterozygous state with a canonical splice variant in an individual with Brody myopathy (Mussini et al. 2015. PubMed ID: 26248958; Molenaar et al. 2020. PubMed ID: 32040565). This variant has not been reported in a large population database, indicating this variant is rare. Frameshift variants in ATP2A1 are expected to be pathogenic. This variant is interpreted as pathogenic.

Labcorp Genetics (formerly Invitae), Labcorp
Classification: Pathogenic for Brody myopathy. Last evaluated: 2020-02-06. Review status: criteria provided, single submitter. Criteria: Invitae Variant Classification Sherloc (09022015). Collection method: clinical testing. Allele origin: germline.
Comment: For these reasons, this variant has been classified as Pathogenic. Loss-of-function variants in ATP2A1 are known to be pathogenic (PMID: 26248958). This sequence change creates a premature translational stop signal (p.Ser581Cysfs*7) in the ATP2A1 gene. It is expected to result in an absent or disrupted protein product. This variant is not present in population databases (ExAC no frequency). This variant has been reported in an individual affected with Brody disease (PMID: 26248958). ClinVar contains an entry for this variant (Variation ID: 446878).

GeneDx
Classification: Pathogenic. Last evaluated: 2019-03-19. Review status: criteria provided, single submitter. Criteria: GeneDx Variant Classification (06012015). Collection method: clinical testing. Allele origin: germline. Affected: yes.
Comment: The c.1742_1743delCT variant in the ATP2A1 gene has not been reported previously as a pathogenic variant nor as a benign variant, to our knowledge. The c.1742_1743delCT variant causes a frameshift starting with codon Serine 581, changes this amino acid to a Cysteine residue, and creates a premature Stop codon at position 7 of the new reading frame, denoted p.Ser581CysfsX7. This variant is predicted to cause loss of normal protein function either through protein truncation or nonsense-mediated mRNA decay. The c.1742_1743delCT variant is not observed in large population cohorts (Lek et al., 2016). We interpret c.1742_1743delCT as a pathogenic variant.

Athena Diagnostics
Classification: Pathogenic. Last evaluated: 2017-01-20. Review status: criteria provided, single submitter. Criteria: Athena Diagnostics Criteria. Collection method: clinical testing. Allele origin: germline.

Literature cited by the submitters: PubMed 26248958 (cited by Labcorp Genetics (formerly Invitae), Labcorp and Athena Diagnostics).

NM_004320.6(ATP2A1):c.1742_1743del (p.Ser581fs)

Gene: ATP2A1 (ATPase sarcoplasmic/endoplasmic reticulum Ca2+ transporting 1; plus strand). Cytogenetic location: 16p11.2.
Variant type: Microsatellite.
Coding change: c.1742_1743del on transcript NM_004320.6 (MANE Select); coding-DNA positions 1742 to 1743, 2 bases deleted (CT; older notation c.1742_1743delCT).
Protein change: p.Ser581fs; shifts the reading frame from serine 581.
Molecular consequence: frameshift variant.
Genome position (GRCh38, 1-based): chr16:28,898,429-28,898,430, CT deleted; deleting any 2 consecutive bases within chr16:28,898,427-28,898,430 gives the same sequence; the c. name uses the placement nearest the transcript's 3' end. VCF-style (leftmost placement, unchanged base first): chr16-28898426-ACT-A. GRCh37 (hg19) VCF-style: chr16-28909747-ACT-A.
Other names: c.1367_1368del, p.Ser456fs (NM_001286075.2); c.1742_1743del, p.Ser581fs (NM_173201.5); short protein forms S456fs, S581fs.
Identifiers: ClinVar variation 446878 (VCV000446878.12), dbSNP rs1421005631, ClinGen allele CA658658460.